The following is an entry in ClinVar:

NM_031935.3(HMCN1):c.8581T>C (p.Tyr2861His)

Gene: HMCN1 (hemicentin 1; plus strand). Cytogenetic location: 1q31.1.
Variant type: single nucleotide variant.
Coding change: c.8581T>C on transcript NM_031935.3 (MANE Select); coding-DNA position 8581, T replaced by C.
Protein change: p.Tyr2861His; replaces tyrosine 2861 with histidine.
Molecular consequence: missense variant.
Genome position (GRCh38, 1-based): chr1:186,078,202, T>C. VCF-style: chr1-186078202-T-C. GRCh37 (hg19) VCF-style: chr1-186047334-T-C.
Other names: short protein forms Y2861H.
Identifiers: ClinVar variation 2830237 (VCV002830237.3), dbSNP rs2527843298, ClinGen allele CA343913844.

ClinVar aggregate classification (germline): Uncertain significance (1 of 4 stars; one submission).

Allele frequency attached by ClinVar (database versions not stated): gnomAD exomes below 0.00001.
gnomAD v4.1: 1 of 1,610,788 alleles (0.000062%); highest among the groups gnomAD compares: Non-Finnish European, 0.000085%; no homozygotes.

Submission:

Labcorp Genetics (formerly Invitae), Labcorp
Classification: Uncertain significance. Last evaluated: 2023-12-18. Review status: criteria provided, single submitter. Criteria: Invitae Variant Classification Sherloc (09022015). Collection method: clinical testing. Allele origin: germline.
Comment: This sequence change replaces tyrosine, which is neutral and polar, with histidine, which is basic and polar, at codon 2861 of the HMCN1 protein (p.Tyr2861His). This variant is not present in population databases (gnomAD no frequency). This variant has not been reported in the literature in individuals affected with HMCN1-related conditions. An algorithm developed to predict the effect of missense changes on protein structure and function (PolyPhen-2) suggests that this variant is likely to be disruptive. In summary, the available evidence is currently insufficient to determine the role of this variant in disease. Therefore, it has been classified as a Variant of Uncertain Significance.